The following is an entry in ClinVar:

NM_020297.4(ABCC9):c.3131G>A (p.Gly1044Glu)

Gene: ABCC9 (ATP binding cassette subfamily C member 9; minus strand). Cytogenetic location: 12p12.1.
Variant type: single nucleotide variant.
Coding change: c.3131G>A on transcript NM_020297.4 (MANE Select); coding-DNA position 3131, G replaced by A.
Protein change: p.Gly1044Glu; replaces glycine 1044 with glutamic acid.
Molecular consequence: missense variant.
Genome position (GRCh38, 1-based): chr12:21,844,881, C>T on the plus strand (G>A on the coding strand, the complement: ABCC9 is on the minus strand). VCF-style: chr12-21844881-C-T. GRCh37 (hg19) VCF-style: chr12-21997815-C-T.
Other names: c.3131G>A (NM_005691.2); c.3131G>A, p.Gly1044Glu (NM_001377273.1, NM_005691.4); c.2264G>A, p.Gly755Glu (NM_001377274.1); short protein forms G1044E, G755E.
Identifiers: ClinVar variation 1018801 (VCV001018801.10), dbSNP rs1944562961, ClinGen allele CA384118874.

ClinVar aggregate classification (germline): Uncertain significance. Review status: criteria provided, multiple submitters, no conflicts (2 of 4 stars). 2 submissions from 2 submitters: Uncertain significance (2). Last evaluated 2023-07-17.

Conditions:
Cardiovascular phenotype. Identifiers: MedGen CN230736.
Dilated cardiomyopathy 1O (CMD1O). Also called: CARDIOMYOPATHY, DILATED, WITH VENTRICULAR TACHYCARDIA. Identifiers: Orphanet 154, MedGen C1837839, MONDO:0012062, OMIM 608569.

Allele frequency attached by ClinVar (database versions not stated): gnomAD exomes below 0.00001.
gnomAD v4.1: 3 of 1,613,824 alleles (0.00019%); highest among the groups gnomAD compares: Non-Finnish European, 0.00025%; no homozygotes.

Submissions (2):

Ambry Genetics
Classification: Uncertain significance for Cardiovascular phenotype. Last evaluated: 2023-07-17. Review status: criteria provided, single submitter. Criteria: Ambry Variant Classification Scheme 2023. Collection method: clinical testing. Allele origin: germline.
Comment: The p.G1044E variant (also known as c.3131G>A), located in coding exon 25 of the ABCC9 gene, results from a G to A substitution at nucleotide position 3131. The glycine at codon 1044 is replaced by glutamic acid, an amino acid with similar properties. This amino acid position is not well conserved in available vertebrate species. In addition, this alteration is predicted to be deleterious by in silico analysis. Since supporting evidence is limited at this time, the clinical significance of this alteration remains unclear.

Labcorp Genetics (formerly Invitae), Labcorp
Classification: Uncertain significance for Dilated cardiomyopathy 1O. Last evaluated: 2020-04-15. Review status: criteria provided, single submitter. Criteria: Invitae Variant Classification Sherloc (09022015). Collection method: clinical testing. Allele origin: germline.
Comment: This sequence change replaces glycine with glutamic acid at codon 1044 of the ABCC9 protein (p.Gly1044Glu). The glycine residue is moderately conserved and there is a moderate physicochemical difference between glycine and glutamic acid. This variant is not present in population databases (ExAC no frequency). This variant has not been reported in the literature in individuals with ABCC9-related conditions. Algorithms developed to predict the effect of missense changes on protein structure and function are either unavailable or do not agree on the potential impact of this missense change (SIFT: "Deleterious"; PolyPhen-2: "Benign"; Align-GVGD: "Class C0"). In summary, the available evidence is currently insufficient to determine the role of this variant in disease. Therefore, it has been classified as a Variant of Uncertain Significance.